The following is an entry in ClinVar:

NM_000218.3(KCNQ1):c.1394-27C>T

Genes: KCNQ1 (potassium voltage-gated channel subfamily Q member 1; plus strand), KCNQ1OT1 (KCNQ1 opposite strand/antisense transcript 1; minus strand). Cytogenetic location: 11p15.5.
Variant type: single nucleotide variant.
Coding change: c.1394-27C>T on transcript NM_000218.3 (MANE Select); 27 bases into the intron before coding-DNA position 1394, C replaced by T.
Molecular consequence: intron variant.
Genome position (GRCh38, 1-based): chr11:2,661,934, C>T. VCF-style: chr11-2661934-C-T. GRCh37 (hg19) VCF-style: chr11-2683164-C-T.
Other names: c.1124-27C>T (NM_001406837.1); c.1298-27C>T (NM_001406836.1); c.854-27C>T (NM_001406838.1); c.1013-27C>T (NM_181798.2); c.1394-27C>T (NM_000218.2).
Identifiers: ClinVar variation 1217035 (VCV001217035.27), dbSNP rs28730757, ClinGen allele CA029565.

ClinVar aggregate classification (germline): Benign/Likely benign. Review status: criteria provided, multiple submitters, no conflicts (2 of 4 stars). 3 submissions from 3 submitters: Benign (1); Likely benign (1). 1 of the submissions does not count toward it. Last evaluated 2024-03-01.

Conditions:
KCNQ1-related disorder. Also called: KCNQ1-related condition; KCNQ1-related disorders. Identifiers: MedGen CN239322.

Allele frequency attached by ClinVar (database versions not stated): gnomAD exomes 0.00071 and 0.00099; ExAC 0.00119; ESP Exome Variant Server 0.00323; gnomAD 0.00337 and 0.00360; 1000 Genomes Project 0.00359; TOPMed 0.00359; 1000 Genomes Project 30x 0.00375.
gnomAD v4.1: 1,586 of 1,614,102 alleles (0.098%); highest among the groups gnomAD compares: African/African-American, 1.1%; 8 homozygotes.

Submissions (3):

CeGaT Center for Human Genetics Tuebingen
Classification: Benign. Last evaluated: 2024-03-01. Review status: criteria provided, single submitter. Criteria: CeGaT Center For Human Genetics Tuebingen Variant Classification Criteria Version 2. Collection method: clinical testing. Allele origin: germline. Affected: yes. Observed: 1 variant allele.
Comment: KCNQ1OT1: BS1, BS2

GeneDx
Classification: Likely benign. Last evaluated: 2018-07-01. Review status: criteria provided, single submitter. Criteria: GeneDx Variant Classification Process June 2021. Collection method: clinical testing. Allele origin: germline. Affected: yes.

PreventionGenetics, part of Exact Sciences
Classification: Likely benign for KCNQ1-related condition. Last evaluated: 2019-03-15. Review status: no assertion criteria provided. Collection method: clinical testing. Allele origin: germline. Not counted in ClinVar's aggregate classification.
Comment: This variant is classified as likely benign based on ACMG/AMP sequence variant interpretation guidelines (Richards et al. 2015 PMID: 25741868, with internal and published modifications).